The following is an entry in ClinVar:

ClinVar aggregate classification (germline): Likely benign. Review status: criteria provided, multiple submitters, no conflicts (2 of 4 stars). 4 submissions from 4 submitters: Likely benign (3). 1 of the submissions does not count toward it. Last evaluated 2025-07-24.

Conditions:
Retinitis pigmentosa 71 (RP71). Identifiers: Orphanet 791, MedGen C4225342, MONDO:0014618, OMIM 616394.
Short-rib thoracic dysplasia 10 with or without polydactyly (SRTD10). Identifiers: Orphanet 474, MedGen C3810175, MONDO:0014284, OMIM 615630.
IFT172-related disorder. Also called: IFT172-related disorders; IFT172-related condition.

Allele frequency attached by ClinVar (database versions not stated): TOPMed below 0.00001.
gnomAD v4.1: 31 of 1,613,988 alleles (0.0019%); highest among the groups gnomAD compares: Middle Eastern, 0.066%; no homozygotes.

Submissions (4):

Labcorp Genetics (formerly Invitae), Labcorp
Classification: Likely benign for Retinitis pigmentosa 71; Short-rib thoracic dysplasia 10 with or without polydactyly. Last evaluated: 2025-07-24. Review status: criteria provided, single submitter. Criteria: Invitae Variant Classification Sherloc (09022015). Collection method: clinical testing. Allele origin: germline.

Blueprint Genetics
Classification: Likely benign. Last evaluated: 2023-09-06. Review status: criteria provided, single submitter. Criteria: ACMG Guidelines, 2015. Collection method: clinical testing. Allele origin: germline.

GeneDx
Classification: Likely benign. Last evaluated: 2021-04-02. Review status: criteria provided, single submitter. Criteria: GeneDx Variant Classification Process June 2021. Collection method: clinical testing. Allele origin: germline. Affected: yes.

PreventionGenetics, part of Exact Sciences
Classification: Likely benign for IFT172-related condition. Last evaluated: 2024-08-26. Review status: no assertion criteria provided. Collection method: clinical testing. Allele origin: germline. Not counted in ClinVar's aggregate classification.
Comment: This variant is classified as likely benign based on ACMG/AMP sequence variant interpretation guidelines (Richards et al. 2015 PMID: 25741868, with internal and published modifications).

NM_015662.3(IFT172):c.2116-5C>T

Gene: IFT172 (intraflagellar transport 172; minus strand). Cytogenetic location: 2p23.3.
Variant type: single nucleotide variant.
Coding change: c.2116-5C>T on transcript NM_015662.3 (MANE Select); 5 bases into the intron before coding-DNA position 2116, C replaced by T.
Molecular consequence: intron variant.
Genome position (GRCh38, 1-based): chr2:27,461,841, G>A on the plus strand (C>T on the coding strand, the complement: IFT172 is on the minus strand). VCF-style: chr2-27461841-G-A. GRCh37 (hg19) VCF-style: chr2-27684708-G-A.
Other names: c.2116-5C>T (NM_015662.2).
Identifiers: ClinVar variation 1149205 (VCV001149205.13), dbSNP rs754154643, ClinGen allele CA1580396.